The following is an entry in ClinVar:

ClinVar aggregate classification (germline): Benign/Likely benign. Review status: criteria provided, multiple submitters, no conflicts (2 of 4 stars). 3 submissions from 3 submitters: Benign (1); Likely benign (2). Last evaluated 2026-01-05.

Conditions:
Mitochondrial complex II deficiency, nuclear type 1. Also called: SUCCINATE CoQ REDUCTASE DEFICIENCY. Identifiers: Orphanet 3208, MedGen C5700310, MONDO:0100294, OMIM 252011.
Pheochromocytoma/paraganglioma syndrome 5. Also called: Paragangliomas 5; SDHA-Related Hereditary Paraganglioma-Pheochromocytoma Syndrome. Identifiers: Orphanet 29072, MedGen C3279992, MONDO:0013602, OMIM 614165.
Hereditary cancer-predisposing syndrome. Also called: Neoplastic Syndromes, Hereditary; Hereditary Cancer Syndrome; Hereditary neoplastic syndrome; Tumor predisposition. Identifiers: Orphanet 140162, MedGen C0027672, MeSH D009386, MONDO:0015356.

Allele frequency attached by ClinVar (database versions not stated): TOPMed below 0.00001; gnomAD 0.00002.
gnomAD v4.1: 6 of 1,611,674 alleles (0.00037%); highest among the groups gnomAD compares: African/African-American, 0.0027%; no homozygotes.

Submissions (3):

Labcorp Genetics (formerly Invitae), Labcorp
Classification: Likely benign for Pheochromocytoma/paraganglioma syndrome 5; Mitochondrial complex II deficiency, nuclear type 1. Last evaluated: 2026-01-05. Review status: criteria provided, single submitter. Criteria: Invitae Variant Classification Sherloc (09022015). Collection method: clinical testing. Allele origin: germline.

Myriad Genetics, Inc.
Classification: Benign for Pheochromocytoma/paraganglioma syndrome 5. Last evaluated: 2025-03-11. Review status: criteria provided, single submitter. Criteria: Myriad Autosomal Dominant, Autosomal Recessive and X-Linked Classification Criteria (2023). Collection method: clinical testing. Allele origin: unknown.
Comment: This variant is considered benign. This variant is a silent/synonymous amino acid change and it is not expected to impact splicing.

Ambry Genetics
Classification: Likely benign for Hereditary cancer-predisposing syndrome. Last evaluated: 2016-08-31. Review status: criteria provided, single submitter. Criteria: Ambry Variant Classification Scheme 2023. Collection method: clinical testing. Allele origin: germline.

NM_004168.4(SDHA):c.1656C>T (p.Phe552=)

Gene: SDHA (succinate dehydrogenase complex flavoprotein subunit A; plus strand). Cytogenetic location: 5p15.33.
Variant type: single nucleotide variant.
Coding change: c.1656C>T on transcript NM_004168.4 (MANE Select); coding-DNA position 1656, C replaced by T.
Protein change: p.Phe552=; no amino-acid change (phenylalanine 552 retained).
Molecular consequence: synonymous variant. On other transcripts: intron variant (1).
Genome position (GRCh38, 1-based): chr5:251,096, C>T. VCF-style: chr5-251096-C-T. GRCh37 (hg19) VCF-style: chr5-251211-C-T.
Other names: c.1512C>T, p.Phe504= (NM_001294332.2); c.1552-3297C>T (NM_001330758.2).
Identifiers: ClinVar variation 486393 (VCV000486393.17), dbSNP rs1170030451, ClinGen allele CA442657314.